The following is an entry in ClinVar:

NM_000384.3(APOB):c.11840G>A (p.Gly3947Glu)

Gene: APOB (apolipoprotein B; minus strand). Cytogenetic location: 2p24.1.
Variant type: single nucleotide variant.
Coding change: c.11840G>A on transcript NM_000384.3 (MANE Select); coding-DNA position 11840, G replaced by A.
Protein change: p.Gly3947Glu; replaces glycine 3947 with glutamic acid.
Molecular consequence: missense variant.
Genome position (GRCh38, 1-based): chr2:21,004,624, C>T on the plus strand (G>A on the coding strand, the complement: APOB is on the minus strand). VCF-style: chr2-21004624-C-T. GRCh37 (hg19) VCF-style: chr2-21227496-C-T.
Other names: short protein forms G3947E.
Identifiers: ClinVar variation 927679 (VCV000927679.20), dbSNP rs770531319, ClinGen allele CA047816.
Genomic context (GRCh38, chr2:21,004,624, plus strand): 5'-AGTCCTTCATATTTGCCATCTTCTTCATATTCTGCACTGAAGTCACGGTGTGCAAATGTT[C>T]CTTTAGTCTTAGAGGCTAACGTACCATCTTCGATTTTGTGTGTTCCCAAAACTGTATAGG-3'
Protein context (NP_000375.3, residues 3937-3957): EDGTLASKTK[Gly3947Glu]TFAHRDFSAE

ClinVar aggregate classification (germline): Conflicting classifications of pathogenicity. Review status: criteria provided, conflicting classifications (1 of 4 stars). 4 submissions from 4 submitters: Uncertain significance (3); Likely benign (1). Last evaluated 2025-10-11.

Conditions:
Cardiovascular phenotype. Identifiers: MedGen CN230736.
Familial hypobetalipoproteinemia 1. Also called: Hypobetalipoproteinemia, normotriglyceridemic; Acanthocytosis with hypobetalipoproteinemia; APOB-Related Familial Hypobetalipoproteinemia. Identifiers: MedGen C4551990, MONDO:0014252, OMIM 615558.
Hypercholesterolemia, autosomal dominant, type B (FHCL2). Also called: Familial Hypercholesterolemia Type B; HYPERCHOLESTEROLEMIA, FAMILIAL, DUE TO LIGAND-DEFECTIVE APOLIPOPROTEIN B; Familial hypercholesterolemia 2; APOB-Related Familial Hypercholesterolemia, Autosomal Dominant; APOLIPOPROTEIN B-100, FAMILIAL DEFECTIVE; APOLIPOPROTEIN B-100, FAMILIAL LIGAND-DEFECTIVE. Identifiers: MedGen C1704417, MONDO:0007751, OMIM 144010.

Allele frequency attached by ClinVar (database versions not stated): ExAC 0.00002; gnomAD 0.00003 and 0.00004; gnomAD exomes 0.00003; TOPMed 0.00004.
gnomAD v4.1: 47 of 1,613,812 alleles (0.0029%); highest among the groups gnomAD compares: African/African-American, 0.008%; no homozygotes.

Submissions (4):

Labcorp Genetics (formerly Invitae), Labcorp
Classification: Likely benign for Familial hypobetalipoproteinemia 1; Hypercholesterolemia, autosomal dominant, type B. Last evaluated: 2025-10-11. Review status: criteria provided, single submitter. Criteria: Invitae Variant Classification Sherloc (09022015). Collection method: clinical testing. Allele origin: germline.

Ambry Genetics
Classification: Uncertain significance for Cardiovascular phenotype. Last evaluated: 2025-09-07. Review status: criteria provided, single submitter. Criteria: Ambry Variant Classification Scheme 2023. Collection method: clinical testing. Allele origin: germline.
Comment: The p.G3947E variant (also known as c.11840G>A), located in coding exon 27 of the APOB gene, results from a G to A substitution at nucleotide position 11840. The glycine at codon 3947 is replaced by glutamic acid, an amino acid with similar properties. This amino acid position is conserved. In addition, this alteration is predicted to be tolerated by in silico analysis. Since supporting evidence is limited at this time, the clinical significance of this alteration remains unclear.

GeneDx
Classification: Uncertain significance. Last evaluated: 2025-03-21. Review status: criteria provided, single submitter. Criteria: GeneDx Variant Classification Process June 2021. Collection method: clinical testing. Allele origin: germline. Affected: yes.
Comment: In silico analysis supports that this missense variant has a deleterious effect on protein structure/function; Has not been previously published as pathogenic or benign to our knowledge

Fulgent Genetics
Classification: Uncertain significance for Hypercholesterolemia, autosomal dominant, type B; Familial hypobetalipoproteinemia 1. Last evaluated: 2021-11-22. Review status: criteria provided, single submitter. Criteria: ACMG Guidelines, 2015. Collection method: clinical testing. Allele origin: unknown.